The following is an entry in ClinVar:

ClinVar aggregate classification (germline): Likely pathogenic. Review status: criteria provided, multiple submitters, no conflicts (2 of 4 stars). 3 submissions from 3 submitters: Likely pathogenic (3). Last evaluated 2024-06-18.

Conditions:
BBS1-related disorder. Also called: BBS1-related condition.
Bardet-Biedl syndrome 1 (BBS1). Identifiers: MedGen C2936862, MONDO:0008854, OMIM 209900. Disease mechanism: loss of function.

Submissions (3):

Natera, Inc.
Classification: Likely pathogenic for Bardet-Biedl syndrome type 1. Last evaluated: 2024-06-18. Review status: criteria provided, single submitter. Criteria: Natera Variant Classification Schema (03/2026). Collection method: clinical testing. Allele origin: germline.
Comment: The c.795_804dup variant in BBS1 is a frameshift variant predicted to shift the reading frame beginning at codon 269 and leads to a stop codon 95 codons downstream. This variant is expected to result in nonsense mediated decay, truncation, or a dysfunctional protein product. This variant is rare in the general population with a frequency below the threshold expected for the associated phenotype(s). Given the available evidence, this variant is classified as Likely Pathogenic.

Baylor Genetics
Classification: Likely pathogenic for Bardet-Biedl syndrome 1. Last evaluated: 2024-02-07. Review status: criteria provided, single submitter. Criteria: ACMG Guidelines, 2015. Collection method: clinical testing. Allele origin: unknown.

Blueprint Genetics
Classification: Likely pathogenic for BBS1-related disorders. Last evaluated: 2023-09-26. Review status: criteria provided, single submitter. Criteria: ACMG Guidelines, 2015. Collection method: clinical testing. Allele origin: germline. Affected: yes. Observed: 1 variant allele.

NM_024649.5(BBS1):c.795_804dup (p.Asn269fs)

Genes: BBS1 (Bardet-Biedl syndrome 1; plus strand), ZDHHC24 (zDHHC palmitoyltransferase 24; minus strand). Cytogenetic location: 11q13.2.
Variant type: Duplication.
Coding change: c.795_804dup on transcript NM_024649.5 (MANE Select); coding-DNA positions 795 to 804, 10 bases duplicated (GGCCTGCCGC; older notation c.795_804dupGGCCTGCCGC).
Protein change: p.Asn269fs; shifts the reading frame from asparagine 269.
Molecular consequence: frameshift variant. On other transcripts: 3 prime UTR variant (1).
Genome position (GRCh38, 1-based): chr11:66,521,341-66,521,350, GGCCTGCCGC duplicated; duplicating any 10 consecutive bases within chr11:66,521,335-66,521,350 gives the same sequence; the c. name uses the placement nearest the transcript's 3' end. VCF-style (leftmost placement, unchanged base first): chr11-66521334-T-TTGCCGCGGCC. GRCh37 (hg19) VCF-style: chr11-66288805-T-TTGCCGCGGCC.
Other names: c.*144_*153dup (NM_001348571.2); c.795_804dup (NM_024649.4); short protein forms N269fs.
Identifiers: ClinVar variation 3240863 (VCV003240863.2), dbSNP rs2495760531.